The following is an entry in ClinVar:

ClinVar aggregate classification (germline): Uncertain significance. Review status: criteria provided, multiple submitters, no conflicts (2 of 4 stars). 10 submissions from 10 submitters: Uncertain significance (10). Last evaluated 2025-02-28.

Conditions:
Aortic aneurysm, familial thoracic 4 (AAT4). Also called: AORTIC ANEURYSM/AORTIC DISSECTION AND PATENT DUCTUS ARTERIOSUS. Identifiers: MedGen C1851504, MONDO:0007568, OMIM 132900.
Visceral myopathy 2. Identifiers: MedGen C5543466, MONDO:0859157, OMIM 619350.
Megacystis-microcolon-intestinal hypoperistalsis syndrome 2. Identifiers: MedGen C5543476, MONDO:0025708, OMIM 619351.
Familial thoracic aortic aneurysm and aortic dissection (TAAD). Also called: Thoracic aortic aneurysms and dissections. Identifiers: Orphanet 91387, MedGen C4707243, MONDO:0019625.

Allele frequency attached by ClinVar (database versions not stated): TOPMed 0.00001.
gnomAD v4.1: 13 of 1,614,186 alleles (0.00081%); highest among the groups gnomAD compares: Non-Finnish European, 0.0011%; no homozygotes.

Submissions (10):

Revvity Omics, Revvity
Classification: Uncertain significance. Last evaluated: 2025-02-28. Review status: criteria provided, single submitter. Criteria: ACMG Guidelines, 2015. Collection method: clinical testing. Allele origin: germline.

Labcorp Genetics (formerly Invitae), Labcorp
Classification: Uncertain significance for Aortic aneurysm, familial thoracic 4. Last evaluated: 2024-11-04. Review status: criteria provided, single submitter. Criteria: Invitae Variant Classification Sherloc (09022015). Collection method: clinical testing. Allele origin: germline.
Comment: This sequence change replaces isoleucine, which is neutral and non-polar, with threonine, which is neutral and polar, at codon 408 of the MYH11 protein (p.Ile408Thr). This variant is present in population databases (rs773998062, gnomAD 0.003%). This variant has not been reported in the literature in individuals affected with MYH11-related conditions. ClinVar contains an entry for this variant (Variation ID: 201107). Invitae Evidence Modeling of protein sequence and biophysical properties (such as structural, functional, and spatial information, amino acid conservation, physicochemical variation, residue mobility, and thermodynamic stability) indicates that this missense variant is not expected to disrupt MYH11 protein function with a negative predictive value of 95%. In summary, the available evidence is currently insufficient to determine the role of this variant in disease. Therefore, it has been classified as a Variant of Uncertain Significance.

Color Diagnostics, LLC DBA Color Health
Classification: Uncertain significance for Familial thoracic aortic aneurysm and aortic dissection. Last evaluated: 2024-03-06. Review status: criteria provided, single submitter. Criteria: ACMG Guidelines, 2015. Collection method: clinical testing. Allele origin: germline.
Comment: This missense variant replaces isoleucine with threonine at codon 408 of the MYH11 protein. Computational prediction suggests that this variant may have deleterious impact on protein structure and function (internally defined REVEL score threshold >= 0.7, PMID: 27666373). To our knowledge, functional studies have not been reported for this variant. This variant has not been reported in individuals affected with MYH11-related disorders in the literature. This variant has been identified in 3/251494 chromosomes in the general population by the Genome Aggregation Database (gnomAD). The available evidence is insufficient to determine the role of this variant in disease conclusively. Therefore, this variant is classified as a Variant of Uncertain Significance.

All of Us Research Program, National Institutes of Health
Classification: Uncertain significance for Familial thoracic aortic aneurysm and aortic dissection. Last evaluated: 2023-12-13. Review status: criteria provided, single submitter. Criteria: ACMG Guidelines, 2015. Collection method: clinical testing. Allele origin: germline. Inheritance: Autosomal dominant inheritance. Observed: 11 variant alleles, 11 heterozygotes.
Comment: This missense variant replaces isoleucine with threonine at codon 408 of the MYH11 protein. Computational prediction suggests that this variant may have deleterious impact on protein structure and function (internally defined REVEL score threshold >= 0.7, PMID: 27666373). To our knowledge, functional studies have not been reported for this variant. This variant has not been reported in individuals affected with cardiovascular disorders in the literature. This variant has been identified in 3/251494 chromosomes in the general population by the Genome Aggregation Database (gnomAD). The available evidence is insufficient to determine the role of this variant in disease conclusively. Therefore, this variant is classified as a Variant of Uncertain Significance.

This study involves interpretation of variants in research participants for the purpose of population health screening. Participant phenotype was not available at the time of variant classification. Additional details can be found in publication PMID: 35346344, PMCID: PMC8962531

GeneDx
Classification: Uncertain significance. Last evaluated: 2023-09-06. Review status: criteria provided, single submitter. Criteria: GeneDx Variant Classification Process June 2021. Collection method: clinical testing. Allele origin: germline. Affected: yes.
Comment: Has not been previously published as pathogenic or benign to our knowledge; In silico analysis supports that this missense variant has a deleterious effect on protein structure/function; Not observed at significant frequency in large population cohorts (gnomAD)

Ambry Genetics
Classification: Uncertain significance for Familial thoracic aortic aneurysm and aortic dissection. Last evaluated: 2022-12-12. Review status: criteria provided, single submitter. Criteria: Ambry Variant Classification Scheme 2023. Collection method: clinical testing. Allele origin: germline.
Comment: The p.I401T variant (also known as c.1202T>C), located in coding exon 10 of the MYH11 gene, results from a T to C substitution at nucleotide position 1202. The isoleucine at codon 401 is replaced by threonine, an amino acid with similar properties. This amino acid position is highly conserved in available vertebrate species. In addition, this alteration is predicted to be deleterious by in silico analysis. Since supporting evidence is limited at this time, the clinical significance of this alteration remains unclear.

Fulgent Genetics
Classification: Uncertain significance for Aortic aneurysm, familial thoracic 4; Visceral myopathy 2; Megacystis-microcolon-intestinal hypoperistalsis syndrome 2. Last evaluated: 2021-10-01. Review status: criteria provided, single submitter. Criteria: ACMG Guidelines, 2015. Collection method: clinical testing. Allele origin: unknown.

AiLife Diagnostics
Classification: Uncertain significance. Last evaluated: 2021-07-04. Review status: criteria provided, single submitter. Criteria: ACMG Guidelines, 2015. Collection method: clinical testing. Allele origin: germline. Affected: yes. Observed: 1 variant allele.

CHEO Genetics Diagnostic Laboratory, Children's Hospital of Eastern Ontario
Classification: Uncertain significance for Familial thoracic aortic aneurysm and aortic dissection. Last evaluated: 2019-01-22. Review status: criteria provided, single submitter. Criteria: ACMG Guidelines, 2015. Collection method: clinical testing. Allele origin: germline.

Laboratory for Molecular Medicine, Mass General Brigham Personalized Medicine
Classification: Uncertain significance. Last evaluated: 2016-10-27. Review status: criteria provided, single submitter. Criteria: LMM Criteria. Collection method: clinical testing. Allele origin: germline.
Comment: Variant identified in a genome or exome case(s) and assessed due to predicted null impact of the variant or pathogenic assertions in the literature or databases. Disclaimer: This variant has not undergone full assessment. The following are preliminary notes: This variant has not been reported in affected patients. It has a Max MAF in ExAC of 0.001%. It is classified in ClinVar as Likely Path by GeneDx (1 star) though the provided interpretation suggests VUS.

NM_002474.3(MYH11):c.1202T>C (p.Ile401Thr)

Gene: MYH11 (myosin heavy chain 11; minus strand). Cytogenetic location: 16p13.11.
Variant type: single nucleotide variant.
Coding change: c.1202T>C on transcript NM_002474.3 (MANE Select); coding-DNA position 1202, T replaced by C.
Protein change: p.Ile401Thr; replaces isoleucine 401 with threonine.
Molecular consequence: missense variant.
Genome position (GRCh38, 1-based): chr16:15,760,586, A>G on the plus strand (T>C on the coding strand, the complement: MYH11 is on the minus strand). VCF-style: chr16-15760586-A-G. GRCh37 (hg19) VCF-style: chr16-15854443-A-G.
Other names: p.I401T:ATC>ACC; c.1223T>C, p.Ile408Thr (NM_001040113.2, NM_001040114.2); c.1202T>C, p.Ile401Thr (NM_022844.3); short protein forms I401T, I408T.
Identifiers: ClinVar variation 201107 (VCV000201107.24), dbSNP rs773998062, ClinGen allele CA306662.